The following is an entry in ClinVar:

NM_004380.3(CREBBP):c.4043G>A (p.Arg1348His)

Gene: CREBBP (CREB binding lysine acetyltransferase; minus strand). Cytogenetic location: 16p13.3.
Variant type: single nucleotide variant.
Coding change: c.4043G>A on transcript NM_004380.3 (MANE Select); coding-DNA position 4043, G replaced by A.
Protein change: p.Arg1348His; replaces arginine 1348 with histidine.
Molecular consequence: missense variant.
Genome position (GRCh38, 1-based): chr16:3,740,489, C>T on the plus strand (G>A on the coding strand, the complement: CREBBP is on the minus strand). VCF-style: chr16-3740489-C-T. GRCh37 (hg19) VCF-style: chr16-3790490-C-T.
Other names: c.4043G>A (NM_004380.2); c.3929G>A, p.Arg1310His (NM_001079846.1); short protein forms R1310H, R1348H.
Identifiers: ClinVar variation 2082919 (VCV002082919.5), dbSNP rs1207183178, ClinGen allele CA394565392.
Genomic context (GRCh38, chr16:3,740,489, plus strand): 5'-GTCTTGTCTGAGCTGGCCACCACTCGGACAAAAACCTCCCCGGCTTCAGGGTGATTCTGG[C>T]GCCGCAAAAATTTGTTCACTCGGTCTTCCAAGTGGTTTCCCAGTCTTGTGGTCTGCAGCC-3'
Protein context (NP_004371.2, residues 1338-1358): LEDRVNKFLR[Arg1348His]QNHPEAGEVF

ClinVar aggregate classification (germline): Uncertain significance. Review status: criteria provided, multiple submitters, no conflicts (2 of 4 stars). 2 submissions from 2 submitters: Uncertain significance (2). Last evaluated 2024-10-29.

Conditions:
Rubinstein-Taybi syndrome (RSTS). Identifiers: Orphanet 783, MedGen C0035934, MONDO:0019188.
Inborn genetic diseases. Identifiers: MedGen C0950123, MeSH D030342.

Submissions (2):

Ambry Genetics
Classification: Uncertain significance for Inborn genetic diseases. Last evaluated: 2024-10-29. Review status: criteria provided, single submitter. Criteria: Ambry Variant Classification Scheme 2023. Collection method: clinical testing. Allele origin: germline.

Labcorp Genetics (formerly Invitae), Labcorp
Classification: Uncertain significance for Rubinstein-Taybi syndrome. Last evaluated: 2022-08-30. Review status: criteria provided, single submitter. Criteria: Invitae Variant Classification Sherloc (09022015). Collection method: clinical testing. Allele origin: germline.
Comment: In summary, the available evidence is currently insufficient to determine the role of this variant in disease. Therefore, it has been classified as a Variant of Uncertain Significance. Advanced modeling of protein sequence and biophysical properties (such as structural, functional, and spatial information, amino acid conservation, physicochemical variation, residue mobility, and thermodynamic stability) performed at Invitae indicates that this missense variant is expected to disrupt CREBBP protein function. This variant has not been reported in the literature in individuals affected with CREBBP-related conditions. This variant is present in population databases (no rsID available, gnomAD 0.0009%). This sequence change replaces arginine, which is basic and polar, with histidine, which is basic and polar, at codon 1348 of the CREBBP protein (p.Arg1348His).